The following is an entry in ClinVar:

NM_000071.3(CBS):c.1090_1098dup (p.Leu364_Glu366dup)

Gene: CBS (cystathionine beta-synthase; minus strand). Cytogenetic location: 21q22.3.
Variant type: Duplication.
Coding change: c.1090_1098dup on transcript NM_000071.3 (MANE Select); coding-DNA positions 1090 to 1098, 9 bases duplicated (CTGCAGGAG; older notation c.1090_1098dupCTGCAGGAG).
Protein change: p.Leu364_Glu366dup.
Molecular consequence: inframe insertion.
Genome position (GRCh38, 1-based): chr21:43,060,488-43,060,496, CTCCTGCAG duplicated on the plus strand (CTGCAGGAG on the coding strand, the reverse complement: CBS is on the minus strand); duplicating any 9 consecutive bases within chr21:43,060,488-43,060,503 gives the same sequence; the c. name uses the placement nearest the transcript's 3' end. VCF-style (leftmost placement, unchanged base first): chr21-43060487-C-CCTCCTGCAG. GRCh37 (hg19) VCF-style: chr21-44480597-C-CCTCCTGCAG.
Other names: c.1090_1098dup, p.Leu364_Glu366dup (NM_001178008.3, NM_001178009.3, NM_001320298.2); c.775_783dup, p.Leu259_Glu261dup (NM_001321072.1).
Identifiers: ClinVar variation 1410008 (VCV001410008.3), dbSNP rs2146352325, ClinGen allele CA2573157443.

ClinVar aggregate classification (germline): Uncertain significance (1 of 4 stars; one submission).

Conditions:
HYPERHOMOCYSTEINEMIA, THROMBOTIC, CBS-RELATED. Identifiers: MedGen C3150344, OMIM 236200.

Submission:

Labcorp Genetics (formerly Invitae), Labcorp
Classification: Uncertain significance for HYPERHOMOCYSTEINEMIA, THROMBOTIC, CBS-RELATED. Last evaluated: 2021-10-08. Review status: criteria provided, single submitter. Criteria: Invitae Variant Classification Sherloc (09022015). Collection method: clinical testing. Allele origin: germline.
Comment: This variant, c.1090_1098dup, results in the insertion of 3 amino acid(s) to the CBS protein (p.Leu364_Glu366dup), but otherwise preserves the integrity of the reading frame. This variant is not present in population databases (ExAC no frequency). This variant has been observed in individual(s) with homocystinuria (PMID: 25939784). This variant is also known as c.1083-1091dupGCAGGAGCT; p. Experimental studies and prediction algorithms are not available or were not evaluated, and the functional significance of this variant is currently unknown. In summary, the available evidence is currently insufficient to determine the role of this variant in disease. Therefore, it has been classified as a Variant of Uncertain Significance.

Literature cited by the submitters: PubMed 25939784.